The following is an entry in ClinVar:

ClinVar aggregate classification (germline): Uncertain significance (1 of 4 stars; one submission).

gnomAD v4.1: 1 of 1,614,008 alleles (0.000062%); highest among the groups gnomAD compares: Non-Finnish European, 0.000085%; no homozygotes.

Submission:

GeneDx
Classification: Uncertain significance. Last evaluated: 2022-03-28. Review status: criteria provided, single submitter. Criteria: GeneDx Variant Classification Process June 2021. Collection method: clinical testing. Allele origin: germline. Affected: yes.
Comment: Not observed at significant frequency in large population cohorts (gnomAD); In silico analysis supports that this missense variant does not alter protein structure/function; Has not been previously published as pathogenic or benign to our knowledge

NM_005245.4(FAT1):c.12529A>G (p.Ile4177Val)

Gene: FAT1 (FAT atypical cadherin 1; minus strand). Cytogenetic location: 4q35.2.
Variant type: single nucleotide variant.
Coding change: c.12529A>G on transcript NM_005245.4 (MANE Select); coding-DNA position 12529, A replaced by G.
Protein change: p.Ile4177Val; replaces isoleucine 4177 with valine.
Molecular consequence: missense variant.
Genome position (GRCh38, 1-based): chr4:186,597,011, T>C on the plus strand (A>G on the coding strand, the complement: FAT1 is on the minus strand). VCF-style: chr4-186597011-T-C. GRCh37 (hg19) VCF-style: chr4-187518165-T-C.
Other names: short protein forms I4177V.
Identifiers: ClinVar variation 1707754 (VCV001707754.2), dbSNP rs2126393449, ClinGen allele CA358967127.
Genomic context (GRCh38, chr4:186,597,011, plus strand): 5'-CCACCAGTAAAAATATCCCTGCAACAAACACAACGATTCCAATTCCTTCCGCCAACCCAA[T>C]GTTCCACGGCGTGGACACATACTGGTTGGGCGCAGCATCCTCGCAGTGACGTCCCCTGTA-3'
Protein context (NP_005236.2, residues 4167-4187): PNQYVSTPWN[Ile4177Val]GLAEGIGIVV